The following is an entry in ClinVar:

NM_000091.5(COL4A3):c.1398T>C (p.Asp466=)

Genes: COL4A3 (collagen type IV alpha 3 chain; plus strand), MFF-DT (MFF divergent transcript; minus strand). Cytogenetic location: 2q36.3.
Variant type: single nucleotide variant.
Coding change: c.1398T>C on transcript NM_000091.5 (MANE Select); coding-DNA position 1398, T replaced by C.
Protein change: p.Asp466=; no amino-acid change (aspartic acid 466 retained).
Molecular consequence: synonymous variant.
Genome position (GRCh38, 1-based): chr2:227,266,499, T>C. VCF-style: chr2-227266499-T-C. GRCh37 (hg19) VCF-style: chr2-228131215-T-C.
Other names: p.Asp466=.
Identifiers: ClinVar variation 254980 (VCV000254980.20), dbSNP rs145833114, ClinGen allele CA2146634.
Genomic context (GRCh38, chr2:227,266,499, plus strand): 5'-TCCACCTGGAGATCACGGACTGCCAGGCTATCTAGGGTCTCCAGGAATCCCAGGAGTTGA[T>C]GGGCCCAAAGGTTGGTTCAATCAATAATGTTGTATTAGGATAAGCCTTTTTCATCGTCAT-3'
Protein context (NP_000082.2, residues 456-476): YLGSPGIPGV[Asp466=]GPKGEPGLLC

ClinVar aggregate classification (germline): Benign/Likely benign. Review status: criteria provided, multiple submitters, no conflicts (2 of 4 stars). 8 submissions from 8 submitters: Benign (4); Likely benign (2). 2 of the submissions do not count toward it. Last evaluated 2026-02-01.

Conditions:
Alport syndrome. Also called: Hemorrhagic familial nephritis; Hemorrhagic hereditary nephritis; Congenital hereditary hematuria. Identifiers: Orphanet 63, MedGen C1567741, MONDO:0018965.

Allele frequency attached by ClinVar (database versions not stated): gnomAD exomes 0.00127; ExAC 0.00165; ESP Exome Variant Server 0.00537; gnomAD 0.00542 and 0.00584; TOPMed 0.00564; 1000 Genomes Project 0.00599; 1000 Genomes Project 30x 0.00718.
gnomAD v4.1: 1,576 of 1,613,546 alleles (0.098%); highest among the groups gnomAD compares: African/African-American, 1.9%; 19 homozygotes.

Submissions (8):

Labcorp Genetics (formerly Invitae), Labcorp
Classification: Benign. Last evaluated: 2026-02-01. Review status: criteria provided, single submitter. Criteria: Invitae Variant Classification Sherloc (09022015). Collection method: clinical testing. Allele origin: germline.

Blueprint Genetics
Classification: Likely benign. Last evaluated: 2024-11-11. Review status: criteria provided, single submitter. Criteria: ACMG Guidelines, 2015. Collection method: clinical testing. Allele origin: germline.

Mayo Clinic Laboratories, Mayo Clinic
Classification: Benign. Last evaluated: 2023-12-14. Review status: criteria provided, single submitter. Criteria: ACMG Guidelines, 2015. Collection method: clinical testing. Allele origin: germline. Observed: 2 variant alleles.
Comment: BS1, BS2, BP4, BP7

GeneDx
Classification: Benign. Last evaluated: 2019-01-25. Review status: criteria provided, single submitter. Criteria: GeneDx Variant Classification Process June 2021. Collection method: clinical testing. Allele origin: germline. Affected: yes.

Athena Diagnostics
Classification: Benign. Last evaluated: 2018-08-20. Review status: criteria provided, single submitter. Criteria: Athena Diagnostics Criteria. Collection method: clinical testing. Allele origin: germline.

PreventionGenetics, part of Exact Sciences
Classification: Likely benign. Review status: criteria provided, single submitter. Criteria: ACMG Guidelines, 2015. Collection method: clinical testing. Allele origin: germline.

Genetic Services Laboratory, University of Chicago
Classification: Benign. Last evaluated: 2022-08-29. Review status: no assertion criteria provided. Collection method: clinical testing. Allele origin: germline. Affected: no. Not counted in ClinVar's aggregate classification.

Natera, Inc.
Classification: Benign for Alport syndrome. Last evaluated: 2020-09-16. Review status: no assertion criteria provided. Collection method: clinical testing. Allele origin: germline. Not counted in ClinVar's aggregate classification.